The following is an entry in ClinVar:

NM_001112.4(ADARB1):c.1101G>C (p.Lys367Asn)

Gene: ADARB1 (adenosine deaminase RNA specific B1; plus strand). Cytogenetic location: 21q22.3.
Variant type: single nucleotide variant.
Coding change: c.1101G>C on transcript NM_001112.4 (MANE Select); coding-DNA position 1101, G replaced by C.
Protein change: p.Lys367Asn; replaces lysine 367 with asparagine.
Molecular consequence: missense variant. On other transcripts: non-coding transcript variant (5).
Genome position (GRCh38, 1-based): chr21:45,182,607, G>C. VCF-style: chr21-45182607-G-C. GRCh37 (hg19) VCF-style: chr21-46602522-G-C.
Other names: ADARB1, LYS367ASN (rs778818769); c.1101G>C, p.Lys367Asn (NM_001160230.2, NM_001346688.2, NM_015833.4 and 1 more transcripts); c.1248G>C, p.Lys416Asn (NM_001346687.2); short protein forms K367N, K416N.
Identifiers: ClinVar variation 870449 (VCV000870449.3), dbSNP rs778818769, ClinGen allele CA321881664.

ClinVar aggregate classification (germline): Uncertain significance. Review status: criteria provided, single submitter (1 of 4 stars). 2 submissions from 2 submitters: Uncertain significance (1). 1 of the submissions does not count toward it. Last evaluated 2020-05-29.

Conditions:
Neurodevelopmental disorder with hypotonia, microcephaly, and seizures (NEDHYMS). Identifiers: MedGen C5394312, MONDO:0030025, OMIM 618862.
Syndromic intellectual disability. Also called: Intellectual disability syndrome. Identifiers: Orphanet 183763, MedGen C5680525, MONDO:0000508.

Allele frequency attached by ClinVar (database versions not stated): gnomAD 0.00001; TOPMed 0.00001.
gnomAD v4.1: 17 of 1,596,648 alleles (0.0011%); highest among the groups gnomAD compares: Non-Finnish European, 0.0013%; no homozygotes.

Submissions (2):

Broad Center for Mendelian Genomics, Broad Institute of MIT and Harvard
Classification: Uncertain significance for Syndromic intellectual disability. Last evaluated: 2020-05-29. Review status: criteria provided, single submitter. Criteria: ACMG Guidelines, 2015. Collection method: research. Allele origin: germline. Inheritance: Autosomal recessive inheritance.
Comment: This variant has been identified in 0.003% (1/30068) of Latino chromosomes by the Genome Aggregation Database (gnomAD; dbSNP ID: rs778818769). Although this variant has been seen in the general population, its frequency is low enough to be consistent with a recessive carrier frequency. In vitro functional studies provide some evidence that the p.Lys367Asn variant may slightly impact protein function (PMID: 32220291). However, these types of assays may not accurately represent biological function. Computational prediction tools and conservation analyses do not provide strong support for or against an impact to the protein. In summary, the clinical significance of the p.Lys367Asn variant is uncertain. ACMG/AMP Criteria applied: PM2, PS3_moderate (Richards 2015).

OMIM
Classification: Pathogenic for NEURODEVELOPMENTAL DISORDER WITH HYPOTONIA, MICROCEPHALY, AND SEIZURES. Last evaluated: 2020-04-30. Review status: no assertion criteria provided. Collection method: literature only. Allele origin: germline. Not counted in ClinVar's aggregate classification.

Literature cited by the submitters: PubMed 32220291 (cited by Broad Center for Mendelian Genomics, Broad Institute of MIT and Harvard and OMIM).